The following is an entry in ClinVar:

NM_053025.4(MYLK):c.1003_1005delinsGCT (p.Thr335Ala)

Gene: MYLK (myosin light chain kinase; minus strand). Cytogenetic location: 3q21.1.
Variant type: Indel.
Coding change: c.1003_1005delinsGCT on transcript NM_053025.4 (MANE Select); coding-DNA positions 1003 to 1005, ACC replaced by GCT.
Protein change: p.Thr335Ala; replaces threonine 335 with alanine.
Molecular consequence: missense variant.
Genome position (GRCh38, 1-based): chr3:123,733,991-123,733,993, GGT replaced by AGC on the plus strand (ACC replaced by GCT on the coding strand, the reverse complement: MYLK is on the minus strand). VCF-style: chr3-123733991-GGT-AGC. GRCh37 (hg19) VCF-style: chr3-123452838-GGT-AGC.
Other names: c.1003_1005delinsGCT (NM_053025.3); c.475_477delinsGCT, p.Thr159Ala (NM_001321309.2); c.1003_1005delinsGCT, p.Thr335Ala (NM_053026.4, NM_053027.4, NM_053028.4); c.1003_1005delACCinsGCT (NM_053025.3); short protein forms T159A, T335A.
Identifiers: ClinVar variation 3401080 (VCV003401080.2).

ClinVar aggregate classification (germline): Uncertain significance. Review status: criteria provided, multiple submitters, no conflicts (2 of 4 stars). 2 submissions from 2 submitters: Uncertain significance (2). Last evaluated 2025-05-13.

Conditions:
Familial thoracic aortic aneurysm and aortic dissection (TAAD). Also called: Thoracic aortic aneurysms and dissections. Identifiers: Orphanet 91387, MedGen C4707243, MONDO:0019625.

Submissions (2):

GeneDx
Classification: Uncertain significance. Last evaluated: 2025-05-13. Review status: criteria provided, single submitter. Criteria: GeneDx Variant Classification Process June 2021. Collection method: clinical testing. Allele origin: germline. Affected: yes.
Comment: Not observed at a significant frequency in large population cohorts (gnomAD); Has not been previously published as pathogenic or benign to our knowledge; In silico analysis supports that this variant does not alter protein structure/function

Ambry Genetics
Classification: Uncertain significance for Familial thoracic aortic aneurysm and aortic dissection. Last evaluated: 2024-10-16. Review status: criteria provided, single submitter. Criteria: Ambry Variant Classification Scheme 2023. Collection method: clinical testing. Allele origin: germline.
Comment: The c.1003_1005delACCinsGCT variant, located in coding exon 7 of the MYLK gene, results from an in-frame deletion of ACC and insertion of GCT at nucleotide positions 1003 to 1005. This results in the substitution of the threonine residue for an alanine residue at codon 335, an amino acid with similar properties. This amino acid position is poorly conserved in available vertebrate species. In addition, this alteration is predicted to be neutral by in silico analysis (Choi Y et al. PLoS ONE. 2012; 7(10):e46688). Based on the available evidence, the clinical significance of this variant remains unclear.